The following is an entry in ClinVar:

ClinVar aggregate classification (germline): Pathogenic (1 of 4 stars; one submission).

Conditions:
Cerebral cavernous malformation (CCM). Also called: Cavernous Hemangioma of Brain; Cerebral cavernous hemangioma (type); Cerebral cavernous malformations; CAVERNOUS ANGIOMA, FAMILIAL; CAVERNOUS ANGIOMATOUS MALFORMATIONS; CEREBRAL CAPILLARY MALFORMATIONS. Identifiers: Orphanet 221061, MedGen C2919945, MONDO:0000820, OMIM 116860, HP:0033522.

Submission:

Labcorp Genetics (formerly Invitae), Labcorp
Classification: Pathogenic for Cerebral cavernous malformation. Last evaluated: 2020-10-19. Review status: criteria provided, single submitter. Criteria: Invitae Variant Classification Sherloc (09022015). Collection method: clinical testing. Allele origin: germline.
Comment: For these reasons, this variant has been classified as Pathogenic. This variant has been observed in individual(s) with clinical features of cerebral cavernous malformations (PMID: 30161288). It has also been observed to segregate with disease in related individuals. This sequence change creates a premature translational stop signal (p.Leu69*) in the KRIT1 gene. It is expected to result in an absent or disrupted protein product. Loss-of-function variants in KRIT1 are known to be pathogenic (PMID: 10508515, 11222804, 12404106, 24689081). This variant is not present in population databases (ExAC no frequency).

Literature cited by the submitters: PubMed 30161288; PubMed 10508515; PubMed 11222804; PubMed 12404106; PubMed 24689081.

NM_194454.3(KRIT1):c.206T>A (p.Leu69Ter)

Gene: KRIT1 (KRIT1 ankyrin repeat containing; minus strand). Cytogenetic location: 7q21.2.
Variant type: single nucleotide variant.
Coding change: c.206T>A on transcript NM_194454.3 (MANE Select); coding-DNA position 206, T replaced by A.
Protein change: p.Leu69Ter; replaces leucine 69 with a stop codon.
Molecular consequence: nonsense. On other transcripts: 5 prime UTR variant (1).
Genome position (GRCh38, 1-based): chr7:92,241,049, A>T on the plus strand (T>A on the coding strand, the complement: KRIT1 is on the minus strand). VCF-style: chr7-92241049-A-T. GRCh37 (hg19) VCF-style: chr7-91870363-A-T.
Other names: c.206T>A, p.Leu69Ter (NM_001013406.2, NM_001350669.1, NM_001350670.1 and 29 more transcripts); c.-378T>A (NM_001350671.1); short protein forms L69*.
Identifiers: ClinVar variation 1070522 (VCV001070522.9), dbSNP rs1799516672, ClinGen allele CA368165896.